The following is an entry in ClinVar:

ClinVar aggregate classification (germline): Uncertain significance (1 of 4 stars; one submission).

Conditions:
Hereditary pancreatitis (PCTT). Also called: PRSS1-Related Hereditary Pancreatitis; Hereditary chronic pancreatitis. Identifiers: Orphanet 676, MedGen C0238339, MONDO:0008185, OMIM 167800.

Submission:

Labcorp Genetics (formerly Invitae), Labcorp
Classification: Uncertain significance for Hereditary pancreatitis. Last evaluated: 2023-10-30. Review status: criteria provided, single submitter. Criteria: Invitae Variant Classification Sherloc (09022015). Collection method: clinical testing. Allele origin: germline.
Comment: This sequence change replaces isoleucine, which is neutral and non-polar, with threonine, which is neutral and polar, at codon 122 of the CTRC protein (p.Ile122Thr). This variant is not present in population databases (gnomAD no frequency). This variant has not been reported in the literature in individuals affected with CTRC-related conditions. Advanced modeling of protein sequence and biophysical properties (such as structural, functional, and spatial information, amino acid conservation, physicochemical variation, residue mobility, and thermodynamic stability) performed at Invitae indicates that this missense variant is expected to disrupt CTRC protein function with a positive predictive value of 80%. In summary, the available evidence is currently insufficient to determine the role of this variant in disease. Therefore, it has been classified as a Variant of Uncertain Significance.

NM_007272.3(CTRC):c.365T>C (p.Ile122Thr)

Gene: CTRC (chymotrypsin C; plus strand). Cytogenetic location: 1p36.21.
Variant type: single nucleotide variant.
Coding change: c.365T>C on transcript NM_007272.3 (MANE Select); coding-DNA position 365, T replaced by C.
Protein change: p.Ile122Thr; replaces isoleucine 122 with threonine.
Molecular consequence: missense variant.
Genome position (GRCh38, 1-based): chr1:15,443,427, T>C. VCF-style: chr1-15443427-T-C. GRCh37 (hg19) VCF-style: chr1-15769922-T-C.
Other names: short protein forms I122T.
Identifiers: ClinVar variation 2797779 (VCV002797779.3), dbSNP rs2526297001, ClinGen allele CA338565887.
Genomic context (GRCh38, chr1:15,443,427, plus strand): 5'-TTGTGGGGCCAGGGCCCTCCTGCCCACTCACCCTCTCCACTTTGGATTCCAGCAATGATA[T>C]TGCCCTCATCAAGCTTGCAGAGCATGTGGAGCTGAGTGACACCATCCAGGTGGCCTGCCT-3'
Protein context (NP_009203.2, residues 112-132): RWNALLLRND[Ile122Thr]ALIKLAEHVE